The following is an entry in ClinVar:

NM_001330588.2(TPP2):c.3215G>A (p.Arg1072Gln)

Gene: TPP2 (tripeptidyl peptidase 2; plus strand). Cytogenetic location: 13q33.1.
Variant type: single nucleotide variant.
Coding change: c.3215G>A on transcript NM_001330588.2 (MANE Select); coding-DNA position 3215, G replaced by A.
Protein change: p.Arg1072Gln; replaces arginine 1072 with glutamine.
Molecular consequence: missense variant. On other transcripts: non-coding transcript variant (1).
Genome position (GRCh38, 1-based): chr13:102,663,719, G>A. VCF-style: chr13-102663719-G-A. GRCh37 (hg19) VCF-style: chr13-103316069-G-A.
Other names: c.3176G>A, p.Arg1059Gln (NM_001367947.1, NM_003291.4); short protein forms R1059Q, R1072Q.
Identifiers: ClinVar variation 958914 (VCV000958914.9), dbSNP rs545669391, ClinGen allele CA7038217.

ClinVar aggregate classification (germline): Uncertain significance. Review status: criteria provided, multiple submitters, no conflicts (2 of 4 stars). 2 submissions from 2 submitters: Uncertain significance (2). Last evaluated 2025-06-10.

Conditions:
Evans syndrome, immunodeficiency, and premature immunosenescence associated with tripeptidyl-peptidase II deficiency. Identifiers: MedGen CN231723. Disease mechanism: loss of function.
Inborn genetic diseases. Identifiers: MedGen C0950123, MeSH D030342.

Allele frequency attached by ClinVar (database versions not stated): gnomAD exomes 0.00001; gnomAD 0.00001; TOPMed 0.00001.
gnomAD v4.1: 17 of 1,602,482 alleles (0.0011%); highest among the groups gnomAD compares: African/African-American, 0.004%; no homozygotes.

Submissions (2):

Ambry Genetics
Classification: Uncertain significance for Inborn genetic diseases. Last evaluated: 2025-06-10. Review status: criteria provided, single submitter. Criteria: Ambry Variant Classification Scheme 2023. Collection method: clinical testing. Allele origin: germline.

Labcorp Genetics (formerly Invitae), Labcorp
Classification: Uncertain significance for Evans syndrome, immunodeficiency, and premature immunosenescence associated with tripeptidyl-peptidase II deficiency. Last evaluated: 2019-09-18. Review status: criteria provided, single submitter. Criteria: Invitae Variant Classification Sherloc (09022015). Collection method: clinical testing. Allele origin: germline.
Comment: This sequence change replaces arginine with glutamine at codon 1059 of the TPP2 protein (p.Arg1059Gln). The arginine residue is highly conserved and there is a small physicochemical difference between arginine and glutamine. This variant is present in population databases (rs545669391, ExAC 0.01%). This variant has not been reported in the literature in individuals with TPP2-related conditions. Algorithms developed to predict the effect of missense changes on protein structure and function (SIFT, PolyPhen-2, Align-GVGD) all suggest that this variant is likely to be tolerated, but these predictions have not been confirmed by published functional studies and their clinical significance is uncertain. In summary, the available evidence is currently insufficient to determine the role of this variant in disease. Therefore, it has been classified as a Variant of Uncertain Significance.